The following is an entry in ClinVar:

NM_005359.6(SMAD4):c.137_155del (p.Lys46fs)

Gene: SMAD4 (SMAD family member 4; plus strand). Cytogenetic location: 18q21.2.
Variant type: Deletion.
Coding change: c.137_155del on transcript NM_005359.6 (MANE Select); coding-DNA positions 137 to 155, 19 bases deleted (AGCTGAAGGAGAAAAAAGA).
Protein change: p.Lys46fs; shifts the reading frame from lysine 46.
Molecular consequence: frameshift variant.
Genome position (GRCh38, 1-based): chr18:51,047,183-51,047,201, AGCTGAAGGAGAAAAAAGA deleted; deleting any 19 consecutive bases within chr18:51,047,178-51,047,201 gives the same sequence; the c. name uses the placement nearest the transcript's 3' end. VCF-style (leftmost placement, unchanged base first): chr18-51047177-TAAAGAAGCTGAAGGAGAAA-T. GRCh37 (hg19) VCF-style: chr18-48573547-TAAAGAAGCTGAAGGAGAAA-T.
Other names: c.137_155del19, p.Lys46Metfs (NM_001407041.1, NM_001407042.1, NM_001407043.1); short protein forms K46fs.
Identifiers: ClinVar variation 2093011 (VCV002093011.5), dbSNP rs2511367679, ClinGen allele CA2580095842.

ClinVar aggregate classification (germline): Pathogenic. Review status: criteria provided, multiple submitters, no conflicts (2 of 4 stars). 2 submissions from 2 submitters: Pathogenic (2). Last evaluated 2026-06-21.

Conditions:
Hereditary cancer-predisposing syndrome. Also called: Tumor predisposition; Hereditary Cancer Syndrome; Hereditary neoplastic syndrome; Neoplastic Syndromes, Hereditary. Identifiers: Orphanet 140162, MedGen C0027672, MeSH D009386, MONDO:0015356.
Familial thoracic aortic aneurysm and aortic dissection (TAAD). Also called: Thoracic aortic aneurysms and dissections. Identifiers: Orphanet 91387, MedGen C4707243, MONDO:0019625.
Juvenile polyposis syndrome (JPS). Identifiers: Orphanet 2929, MedGen C0345893, MONDO:0017380, OMIM 174900.

Submissions (2):

Ambry Genetics
Classification: Pathogenic for Hereditary cancer-predisposing syndrome; Familial thoracic aortic aneurysm and aortic dissection. Last evaluated: 2026-06-21. Review status: criteria provided, single submitter. Criteria: Ambry Variant Classification Scheme 2023. Collection method: clinical testing. Allele origin: germline.
Comment: The c.137_155del19 pathogenic mutation, located in coding exon 1 of the SMAD4 gene, results from a deletion of 19 nucleotides at nucleotide positions 137 to 155, causing a translational frameshift with a predicted alternate stop codon (p.K46Mfs*6). This variant is considered to be rare based on population cohorts in the Genome Aggregation Database (gnomAD). This alteration is expected to result in loss of function by premature protein truncation or nonsense-mediated mRNA decay. As such, this alteration is interpreted as a disease-causing mutation.

Labcorp Genetics (formerly Invitae), Labcorp
Classification: Pathogenic for Juvenile polyposis syndrome. Last evaluated: 2022-04-15. Review status: criteria provided, single submitter. Criteria: Invitae Variant Classification Sherloc (09022015). Collection method: clinical testing. Allele origin: germline.
Comment: This variant has not been reported in the literature in individuals affected with SMAD4-related conditions. Algorithms developed to predict the effect of sequence changes on RNA splicing suggest that this variant may create or strengthen a splice site. For these reasons, this variant has been classified as Pathogenic. This variant is not present in population databases (gnomAD no frequency). This sequence change creates a premature translational stop signal (p.Lys46Metfs*6) in the SMAD4 gene. It is expected to result in an absent or disrupted protein product. Loss-of-function variants in SMAD4 are known to be pathogenic (PMID: 16152648, 16436638, 22810475).

Literature cited by the submitters: PubMed 16152648 (cited by Labcorp Genetics (formerly Invitae), Labcorp); PubMed 16436638 (cited by Labcorp Genetics (formerly Invitae), Labcorp); PubMed 22810475 (cited by Labcorp Genetics (formerly Invitae), Labcorp).